The following is an entry in ClinVar:

ClinVar aggregate classification (germline): Uncertain significance (1 of 4 stars; one submission).

Conditions:
Charcot-Marie-Tooth disease axonal type 2Z. Also called: CHARCOT-MARIE-TOOTH DISEASE, AXONAL, AUTOSOMAL DOMINANT, TYPE 2Z; CHARCOT-MARIE-TOOTH NEUROPATHY, TYPE 2Z. Identifiers: Orphanet 466768, MedGen C5569025, MONDO:0014736, OMIM 616688.

Submission:

Labcorp Genetics (formerly Invitae), Labcorp
Classification: Uncertain significance for Charcot-Marie-Tooth disease axonal type 2Z. Last evaluated: 2020-12-19. Review status: criteria provided, single submitter. Criteria: Invitae Variant Classification Sherloc (09022015). Collection method: clinical testing. Allele origin: germline.
Comment: This sequence change replaces threonine with serine at codon 180 of the MORC2 protein (p.Thr180Ser). The threonine residue is weakly conserved and there is a small physicochemical difference between threonine and serine. In summary, the available evidence is currently insufficient to determine the role of this variant in disease. Therefore, it has been classified as a Variant of Uncertain Significance. Advanced modeling of protein sequence and biophysical properties (such as structural, functional, and spatial information, amino acid conservation, physicochemical variation, residue mobility, and thermodynamic stability) performed at Invitae indicates that this missense variant is not expected to disrupt MORC2 protein function. This variant has not been reported in the literature in individuals with MORC2-related conditions. This variant is not present in population databases (ExAC no frequency).

NM_001303256.3(MORC2):c.539C>G (p.Thr180Ser)

Gene: MORC2 (MORC family CW-type zinc finger 2; minus strand). Cytogenetic location: 22q12.2.
Variant type: single nucleotide variant.
Coding change: c.539C>G on transcript NM_001303256.3 (MANE Select); coding-DNA position 539, C replaced by G.
Protein change: p.Thr180Ser; replaces threonine 180 with serine.
Molecular consequence: missense variant.
Genome position (GRCh38, 1-based): chr22:30,942,159, G>C on the plus strand (C>G on the coding strand, the complement: MORC2 is on the minus strand). VCF-style: chr22-30942159-G-C. GRCh37 (hg19) VCF-style: chr22-31338146-G-C.
Other names: c.539C>G, p.Thr180Ser (NM_001303257.2); c.353C>G, p.Thr118Ser (NM_014941.3); short protein forms T118S, T180S.
Identifiers: ClinVar variation 1495016 (VCV001495016.6), dbSNP rs1344522060, ClinGen allele CA411243614.